The following is an entry in ClinVar:

NM_006389.5(HYOU1):c.2507T>G (p.Leu836Arg)

Gene: HYOU1 (hypoxia up-regulated 1; minus strand). Cytogenetic location: 11q23.3.
Variant type: single nucleotide variant.
Coding change: c.2507T>G on transcript NM_006389.5 (MANE Select); coding-DNA position 2507, T replaced by G.
Protein change: p.Leu836Arg; replaces leucine 836 with arginine.
Molecular consequence: missense variant.
Genome position (GRCh38, 1-based): chr11:119,047,950, A>C on the plus strand (T>G on the coding strand, the complement: HYOU1 is on the minus strand). VCF-style: chr11-119047950-A-C. GRCh37 (hg19) VCF-style: chr11-118918662-A-C.
Other names: c.2507T>G, p.Leu836Arg (NM_001130991.3); short protein forms L836R.
Identifiers: ClinVar variation 1490366 (VCV001490366.6), dbSNP rs2134682060, ClinGen allele CA382923767.

ClinVar aggregate classification (germline): Uncertain significance (1 of 4 stars; one submission).

Allele frequency attached by ClinVar (database versions not stated): gnomAD exomes below 0.00001.
gnomAD v4.1: 3 of 1,614,136 alleles (0.00019%); highest among the groups gnomAD compares: Middle Eastern, 0.016%; no homozygotes.

Submission:

Labcorp Genetics (formerly Invitae), Labcorp
Classification: Uncertain significance. Last evaluated: 2021-04-23. Review status: criteria provided, single submitter. Criteria: Invitae Variant Classification Sherloc (09022015). Collection method: clinical testing. Allele origin: germline.
Comment: In summary, the available evidence is currently insufficient to determine the role of this variant in disease. Therefore, it has been classified as a Variant of Uncertain Significance. Algorithms developed to predict the effect of missense changes on protein structure and function are either unavailable or do not agree on the potential impact of this missense change (SIFT: "Not Available"; PolyPhen-2: "Probably Damaging"; Align-GVGD: "Not Available"). This variant has not been reported in the literature in individuals with HYOU1-related conditions. This variant is not present in population databases (ExAC no frequency). This sequence change replaces leucine with arginine at codon 836 of the HYOU1 protein (p.Leu836Arg). The leucine residue is highly conserved and there is a moderate physicochemical difference between leucine and arginine.